The following is an entry in ClinVar:

ClinVar aggregate classification (germline): Uncertain significance. Review status: criteria provided, multiple submitters, no conflicts (2 of 4 stars). 2 submissions from 2 submitters: Uncertain significance (2). Last evaluated 2024-05-21.

Conditions:
Hyperlysinemia. Also called: Hyperlysinemias. Identifiers: Orphanet 2203, MedGen C0268553, MONDO:0009388, HP:0002161.

gnomAD v4.1: 148 of 1,613,290 alleles (0.0092%); highest among the groups gnomAD compares: Non-Finnish European, 0.011%; no homozygotes.

Submissions (2):

Labcorp Genetics (formerly Invitae), Labcorp
Classification: Uncertain significance. Last evaluated: 2024-05-21. Review status: criteria provided, single submitter. Criteria: Invitae Variant Classification Sherloc (09022015). Collection method: clinical testing. Allele origin: germline.
Comment: This sequence change replaces arginine, which is basic and polar, with cysteine, which is neutral and slightly polar, at codon 132 of the AASS protein (p.Arg132Cys). This variant is present in population databases (rs769390625, gnomAD 0.01%). This variant has not been reported in the literature in individuals affected with AASS-related conditions. Advanced modeling of protein sequence and biophysical properties (such as structural, functional, and spatial information, amino acid conservation, physicochemical variation, residue mobility, and thermodynamic stability) performed at Invitae indicates that this missense variant is expected to disrupt AASS protein function with a positive predictive value of 80%. In summary, the available evidence is currently insufficient to determine the role of this variant in disease. Therefore, it has been classified as a Variant of Uncertain Significance.

Department of Pathology and Laboratory Medicine, Sinai Health System
Classification: Uncertain significance for hyperlysinemia. Last evaluated: 2023-03-02. Review status: criteria provided, single submitter. Criteria: ACMG Guidelines, 2015. Collection method: research. Allele origin: germline.

NM_005763.4(AASS):c.394C>T (p.Arg132Cys)

Gene: AASS (aminoadipate-semialdehyde synthase; minus strand). Cytogenetic location: 7q31.32.
Variant type: single nucleotide variant.
Coding change: c.394C>T on transcript NM_005763.4 (MANE Select); coding-DNA position 394, C replaced by T.
Protein change: p.Arg132Cys; replaces arginine 132 with cysteine.
Molecular consequence: missense variant.
Genome position (GRCh38, 1-based): chr7:122,126,453, G>A on the plus strand (C>T on the coding strand, the complement: AASS is on the minus strand). VCF-style: chr7-122126453-G-A. GRCh37 (hg19) VCF-style: chr7-121766507-G-A.
Other names: short protein forms R132C.
Identifiers: ClinVar variation 3712709 (VCV003712709.3).